The following is an entry in ClinVar:

ClinVar aggregate classification (germline): Conflicting classifications of pathogenicity. Review status: criteria provided, conflicting classifications (1 of 4 stars). 6 submissions from 6 submitters: Uncertain significance (5); Likely benign (1). Last evaluated 2023-09-25.

Conditions:
Hereditary cancer-predisposing syndrome. Also called: Tumor predisposition; Hereditary Cancer Syndrome; Neoplastic Syndromes, Hereditary; Hereditary neoplastic syndrome. Identifiers: Orphanet 140162, MedGen C0027672, MeSH D009386, MONDO:0015356.
Microcephaly, normal intelligence and immunodeficiency (NBS). Also called: IMMUNODEFICIENCY, MICROCEPHALY, AND CHROMOSOMAL INSTABILITY; SEEMANOVA SYNDROME II; Nijmegen breakage syndrome; Microcephaly with normal intelligence immunodeficiency and lymphoreticular malignancies; Nonsyndromal microcephaly autosomal recessive with normal intelligence; Seemanova syndrome 2. Identifiers: Orphanet 647, MedGen C0398791, MONDO:0009623, OMIM 251260.
Aplastic anemia. Identifiers: Orphanet 182040, Orphanet 88, MedGen C0002874, MONDO:0015909, OMIM 609135, HP:0001915.

Allele frequency attached by ClinVar (database versions not stated): TOPMed below 0.00001.

Submissions (6):

Baylor Genetics
Classification: Uncertain significance for Aplastic anemia. Last evaluated: 2023-09-25. Review status: criteria provided, single submitter. Criteria: ACMG Guidelines, 2015. Collection method: clinical testing. Allele origin: unknown.

Labcorp Genetics (formerly Invitae), Labcorp
Classification: Uncertain significance for Microcephaly, normal intelligence and immunodeficiency. Last evaluated: 2023-07-19. Review status: criteria provided, single submitter. Criteria: Invitae Variant Classification Sherloc (09022015). Collection method: clinical testing. Allele origin: germline.
Comment: In summary, the available evidence is currently insufficient to determine the role of this variant in disease. Therefore, it has been classified as a Variant of Uncertain Significance. Algorithms developed to predict the effect of missense changes on protein structure and function output the following: SIFT: "Not Available"; PolyPhen-2: "Benign"; Align-GVGD: "Not Available". The arginine amino acid residue is found in multiple mammalian species, which suggests that this missense change does not adversely affect protein function. ClinVar contains an entry for this variant (Variation ID: 239195). This variant has not been reported in the literature in individuals affected with NBN-related conditions. This variant is not present in population databases (gnomAD no frequency). This sequence change replaces glycine, which is neutral and non-polar, with arginine, which is basic and polar, at codon 12 of the NBN protein (p.Gly12Arg).

GeneDx
Classification: Uncertain significance. Last evaluated: 2023-02-06. Review status: criteria provided, single submitter. Criteria: GeneDx Variant Classification Process June 2021. Collection method: clinical testing. Allele origin: germline. Affected: yes.
Comment: Not observed at significant frequency in large population cohorts (gnomAD); In silico analysis supports that this missense variant does not alter protein structure/function; Has not been previously published as pathogenic or benign to our knowledge; This variant is associated with the following publications: (PMID: 24894818)

Genome-Nilou Lab
Classification: Uncertain significance for Microcephaly, normal intelligence and immunodeficiency. Last evaluated: 2021-11-07. Review status: criteria provided, single submitter. Criteria: ACMG Guidelines, 2015. Collection method: clinical testing. Allele origin: germline. Affected: no.

CeGaT Center for Human Genetics Tuebingen
Classification: Uncertain significance. Last evaluated: 2018-05-01. Review status: criteria provided, single submitter. Criteria: CeGaT Center For Human Genetics Tuebingen Variant Classification Criteria Version 2. Collection method: clinical testing. Allele origin: germline. Affected: yes. Observed: 1 variant allele.

Ambry Genetics
Classification: Likely benign for Hereditary cancer-predisposing syndrome. Last evaluated: 2015-10-08. Review status: criteria provided, single submitter. Criteria: Ambry Variant Classification Scheme 2023. Collection method: clinical testing. Allele origin: germline.

NM_002485.5(NBN):c.34G>A (p.Gly12Arg)

Gene: NBN (nibrin; minus strand). Cytogenetic location: 8q21.3.
Variant type: single nucleotide variant.
Coding change: c.34G>A on transcript NM_002485.5 (MANE Select); coding-DNA position 34, G replaced by A.
Protein change: p.Gly12Arg; replaces glycine 12 with arginine.
Molecular consequence: missense variant. On other transcripts: 5 prime UTR variant (1).
Genome position (GRCh38, 1-based): chr8:89,984,528, C>T on the plus strand (G>A on the coding strand, the complement: NBN is on the minus strand). VCF-style: chr8-89984528-C-T. GRCh37 (hg19) VCF-style: chr8-90996756-C-T.
Other names: c.-263G>A (NM_001024688.3); short protein forms G12R.
Identifiers: ClinVar variation 239195 (VCV000239195.61), dbSNP rs878854511, ClinGen allele CA10582607.